The following is an entry in ClinVar:

NM_007294.4(BRCA1):c.2036A>C (p.Lys679Thr)

Gene: BRCA1 (BRCA1 DNA repair associated; minus strand). Cytogenetic location: 17q21.31.
Variant type: single nucleotide variant.
Coding change: c.2036A>C on transcript NM_007294.4 (MANE Select); coding-DNA position 2036, A replaced by C.
Protein change: p.Lys679Thr; replaces lysine 679 with threonine.
Molecular consequence: missense variant. On other transcripts: intron variant (137).
Genome position (GRCh38, 1-based): chr17:43,093,495, T>G on the plus strand (A>C on the coding strand, the complement: BRCA1 is on the minus strand). VCF-style: chr17-43093495-T-G. GRCh37 (hg19) VCF-style: chr17-41245512-T-G.
Other names: c.661+1249A>C (NM_001408434.1, NM_001408447.1, NM_001408433.1 and 6 more transcripts); c.784+1249A>C (NM_001408398.1, NM_001407992.1, NM_001408400.1 and 13 more transcripts); c.664+1249A>C (NM_001408440.1, NM_001408428.1, NM_001408441.1 and 12 more transcripts); c.670+2351A>C (NM_001408418.1, NM_001408423.1, NM_001408420.1 and 2 more transcripts); c.787+1249A>C (NM_001407981.1, NM_007298.4, NM_001407978.1 and 19 more transcripts); c.643+1249A>C (NM_001408462.1, NM_001408470.1, NM_001408464.1 and 3 more transcripts); c.709+1249A>C (NM_001408414.1, NM_001408411.1, NM_001408415.1 and 2 more transcripts); c.577+1249A>C (NM_001408514.1, NM_001408485.1, NM_001408483.1 and 9 more transcripts); and 40 more; short protein forms K632T, K679T, K551T, K567T, K590T, K608T, K653T, K552T.
Identifiers: ClinVar variation 838783 (VCV000838783.16), dbSNP rs2053838870, ClinGen allele CA10597939.
Genomic context (GRCh38, chr17:43,093,495, plus strand): 5'-TCTGGGAAAGTATCGCTGTCATGTCTTTTACTTGTCTGTTCATTTGGCTTGTTACTCTTC[T>G]TGGCTCCAGTTGCAGGTTCTTTACCTTCCATGAGTTGTAGGTTTCTGCTGTGCCTGACTG-3'
Protein context (NP_009225.1, residues 669-689): MEGKEPATGA[Lys679Thr]KSNKPNEQTS

ClinVar aggregate classification (germline): Conflicting classifications of pathogenicity. Review status: criteria provided, conflicting classifications (1 of 4 stars). 4 submissions from 4 submitters: Uncertain significance (3); Likely benign (1). Last evaluated 2026-06-15.

Conditions:
Hereditary breast ovarian cancer syndrome. Also called: Hereditary breast and ovarian cancer; Hereditary breast and ovarian cancer syndrome (HBOC); Hereditary breast and/or ovarian cancer syndrome; Hereditary breast and ovarian cancer syndrome; Breast and ovarian cancer; BRCA1- and BRCA2-Associated Hereditary Breast and Ovarian Cancer. Identifiers: Orphanet 145, MedGen C0677776, MeSH D061325, MONDO:0003582. Disease mechanism: loss of function.
Hereditary cancer-predisposing syndrome. Also called: Tumor predisposition; Hereditary neoplastic syndrome; Neoplastic Syndromes, Hereditary; Hereditary Cancer Syndrome. Identifiers: Orphanet 140162, MedGen C0027672, MeSH D009386, MONDO:0015356.

Submissions (4):

Ambry Genetics
Classification: Uncertain significance for Hereditary cancer-predisposing syndrome. Last evaluated: 2026-06-15. Review status: criteria provided, single submitter. Criteria: Ambry Variant Classification Scheme 2023. Collection method: clinical testing. Allele origin: germline.

Labcorp Genetics (formerly Invitae), Labcorp
Classification: Uncertain significance for Hereditary breast ovarian cancer syndrome. Last evaluated: 2025-06-10. Review status: criteria provided, single submitter. Criteria: Invitae Variant Classification Sherloc (09022015). Collection method: clinical testing. Allele origin: germline.
Comment: This sequence change replaces lysine, which is basic and polar, with threonine, which is neutral and polar, at codon 679 of the BRCA1 protein (p.Lys679Thr). This variant is not present in population databases (gnomAD no frequency). This variant has not been reported in the literature in individuals affected with BRCA1-related conditions. ClinVar contains an entry for this variant (Variation ID: 838783). Invitae Evidence Modeling of protein sequence and biophysical properties (such as structural, functional, and spatial information, amino acid conservation, physicochemical variation, residue mobility, and thermodynamic stability) indicates that this missense variant is not expected to disrupt BRCA1 protein function with a negative predictive value of 80%. In summary, the available evidence is currently insufficient to determine the role of this variant in disease. Therefore, it has been classified as a Variant of Uncertain Significance.

Quest Diagnostics Nichols Institute San Juan Capistrano
Classification: Uncertain significance. Last evaluated: 2024-03-28. Review status: criteria provided, single submitter. Criteria: Quest Diagnostics criteria. Collection method: clinical testing. Allele origin: unknown.
Comment: The BRCA1 c.2036A>C (p.Lys679Thr) variant has not been reported in individuals with BRCA1-related conditions in the published literature. It also has not been reported in large, multi-ethnic general populations (Genome Aggregation Database). Analysis of this variant using bioinformatics tools for the prediction of the effect of amino acid changes on protein structure and function yielded predictions that this variant is damaging. Based on the available information, we are unable to determine the clinical significance of this variant.

University of Washington Department of Laboratory Medicine, University of Washington
Classification: Likely benign for Hereditary cancer-predisposing syndrome. Last evaluated: 2023-03-23. Review status: criteria provided, single submitter. Criteria: Dines et al. (Genet Med. 2020). Collection method: curation. Allele origin: germline.
Comment: Missense variant in a coldspot region where missense variants are very unlikely to be pathogenic (PMID:31911673).

BRCA1 coldspot (exon 11 using historical exon numbering). Reclassification based on statistical prior probability